The following is an entry in ClinVar:

NM_001933.5(DLST):c.941A>T (p.Tyr314Phe)

Gene: DLST (dihydrolipoamide S-succinyltransferase; plus strand). Cytogenetic location: 14q24.3.
Variant type: single nucleotide variant.
Coding change: c.941A>T on transcript NM_001933.5 (MANE Select); coding-DNA position 941, A replaced by T.
Protein change: p.Tyr314Phe; replaces tyrosine 314 with phenylalanine.
Molecular consequence: missense variant. On other transcripts: non-coding transcript variant (2).
Genome position (GRCh38, 1-based): chr14:74,899,962, A>T. VCF-style: chr14-74899962-A-T. GRCh37 (hg19) VCF-style: chr14-75366665-A-T.
Other names: short protein forms Y314F.
Identifiers: ClinVar variation 4742813 (VCV004742813.1).

ClinVar aggregate classification (germline): Uncertain significance (1 of 4 stars; one submission).

Submission:

Labcorp Genetics (formerly Invitae), Labcorp
Classification: Uncertain significance. Last evaluated: 2025-07-19. Review status: criteria provided, single submitter. Criteria: Invitae Variant Classification Sherloc (09022015). Collection method: clinical testing. Allele origin: germline.
Comment: This sequence change replaces tyrosine, which is neutral and polar, with phenylalanine, which is neutral and non-polar, at codon 314 of the DLST protein (p.Tyr314Phe). This variant is not present in population databases (gnomAD no frequency). This variant has not been reported in the literature in individuals affected with DLST-related conditions. Invitae Evidence Modeling of protein sequence and biophysical properties (such as structural, functional, and spatial information, amino acid conservation, physicochemical variation, residue mobility, and thermodynamic stability) indicates that this missense variant is not expected to disrupt DLST protein function with a negative predictive value of 80%. In summary, the available evidence is currently insufficient to determine the role of this variant in disease. Therefore, it has been classified as a Variant of Uncertain Significance.